The following is an entry in ClinVar:

ClinVar aggregate classification (germline): Benign/Likely benign. Review status: criteria provided, multiple submitters, no conflicts (2 of 4 stars). 6 submissions from 4 submitters: Benign (4); Likely benign (2). Last evaluated 2018-01-13.

Conditions:
Hypertrophic cardiomyopathy 7. Also called: CARDIOMYOPATHY, FAMILIAL HYPERTROPHIC, 7, MODIFIER OF; TNNI3-Related Familial Hypertrophic Cardiomyopathy; Familial hypertrophic cardiomyopathy 7. Identifiers: MedGen C1860752, MONDO:0013369, OMIM 613690.
Cardiomyopathy, familial restrictive, 1. Identifiers: Orphanet 75249, MedGen C1861861, MONDO:0007270, OMIM 115210.
Dilated cardiomyopathy 2A (CMD2A). Also called: CARDIOMYOPATHY, CONGESTIVE, AUTOSOMAL RECESSIVE; CARDIOMYOPATHY, DILATED, AUTOSOMAL RECESSIVE. Identifiers: Orphanet 154, MedGen C2678474, MONDO:0012746, OMIM 611880.

Allele frequency attached by ClinVar (database versions not stated): gnomAD exomes 0.00843 and 0.01961; ExAC 0.02340; gnomAD 0.06917 and 0.07367; ESP Exome Variant Server 0.07270; 1000 Genomes Project 0.07688; TOPMed 0.07895; 1000 Genomes Project 30x 0.08229.
gnomAD v4.1: 23,478 of 1,613,762 alleles (1.5%); highest among the groups gnomAD compares: African/African-American, 23%; 2,191 homozygotes.

Submissions (6):

Illumina Laboratory Services, Illumina
Classification: Benign for Cardiomyopathy, familial restrictive, 1. Last evaluated: 2018-01-13. Review status: criteria provided, single submitter. Criteria: ICSL Variant Classification Criteria 13 December 2019. Collection method: clinical testing. Allele origin: germline.
Comment: This variant was observed in the ICSL laboratory as part of a predisposition screen in an ostensibly healthy population. It had not been previously curated by ICSL or reported in the Human Gene Mutation Database (HGMD: prior to June 1st, 2018), and was therefore a candidate for classification through an automated scoring system. Utilizing variant allele frequency, disease prevalence and penetrance estimates, and inheritance mode, an automated score was calculated to assess if this variant is too frequent to cause the disease. Based on the score and internal cut-off values, a variant classified as benign is not then subjected to further curation. The score for this variant resulted in a classification of benign for this disease.

Illumina Laboratory Services, Illumina
Classification: Benign for Hypertrophic cardiomyopathy 7. Last evaluated: 2018-01-13. Review status: criteria provided, single submitter. Criteria: ICSL Variant Classification Criteria 13 December 2019. Collection method: clinical testing. Allele origin: germline.
Comment: the same text as in the submission from Illumina Laboratory Services, Illumina above.

Illumina Laboratory Services, Illumina
Classification: Likely benign for Dilated cardiomyopathy 2A. Last evaluated: 2018-01-13. Review status: criteria provided, single submitter. Criteria: ICSL Variant Classification Criteria 13 December 2019. Collection method: clinical testing. Allele origin: germline.
Comment: This variant was observed in the ICSL laboratory as part of a predisposition screen in an ostensibly healthy population. It had not been previously curated by ICSL or reported in the Human Gene Mutation Database (HGMD: prior to June 1st, 2018), and was therefore a candidate for classification through an automated scoring system. Utilizing variant allele frequency, disease prevalence and penetrance estimates, and inheritance mode, an automated score was calculated to assess if this variant is too frequent to cause the disease. Based on the score and internal cut-off values, a variant classified as likely benign is not then subjected to further curation. The score for this variant resulted in a classification of likely benign for this disease.

GeneDx
Classification: Benign. Last evaluated: 2011-06-27. Review status: criteria provided, single submitter. Criteria: GeneDx Variant Classification (06012015). Collection method: clinical testing. Allele origin: germline. Affected: yes.
Comment: This variant is considered likely benign or benign based on one or more of the following criteria: it is a conservative change, it occurs at a poorly conserved position in the protein, it is predicted to be benign by multiple in silico algorithms, and/or has population frequency not consistent with disease.

Breakthrough Genomics
Classification: Likely benign. Review status: criteria provided, single submitter. Criteria: ACMG Guidelines, 2015. Collection method: not provided. Allele origin: germline. Inheritance: Autosomal recessive inheritance. Affected: yes.

PreventionGenetics, part of Exact Sciences
Classification: Benign. Review status: criteria provided, single submitter. Criteria: ACMG Guidelines, 2015. Collection method: clinical testing. Allele origin: germline.

NM_000363.5(TNNI3):c.-35C>A

Gene: TNNI3 (troponin I3, cardiac type; minus strand). Cytogenetic location: 19q13.42.
Variant type: single nucleotide variant.
Coding change: c.-35C>A on transcript NM_000363.5 (MANE Select); 35 bases upstream of the start codon, C replaced by A.
Molecular consequence: 5 prime UTR variant.
Genome position (GRCh38, 1-based): chr19:55,157,624, G>T on the plus strand (C>A on the coding strand, the complement: TNNI3 is on the minus strand). VCF-style: chr19-55157624-G-T. GRCh37 (hg19) VCF-style: chr19-55668992-G-T.
Other names: c.-35C>A (LRG_432t1).
Identifiers: ClinVar variation 137687 (VCV000137687.8), dbSNP rs3729707, ClinGen allele CA021534.
Genomic context (GRCh38, chr19:55,157,624, plus strand): 5'-TGGGGCATCACTCACCCATCCGCCATGCTGAGACTCAGGCCGGGAATGGCAGGAGGCAGG[G>T]CGAGGACAGGGGCGTTTGGAGGGTCAGTGAGGGGGCCGCCCGGGTGACCTTCAGGGTCCC-3'